The following is an entry in ClinVar:

ClinVar aggregate classification (germline): Likely benign. Review status: reviewed by expert panel (3 of 4 stars). 11 submissions from 11 submitters: Likely benign (1). 10 of the submissions do not count toward it. Last evaluated 2025-01-08.

Conditions:
DYSF-related disorder. Also called: DYSF-related condition; DYSF-related disorders.
Autosomal recessive limb-girdle muscular dystrophy. Identifiers: Orphanet 102015, MedGen C2931907, MONDO:0015152.
Neuromuscular disease caused by qualitative or quantitative defects of dysferlin. Also called: Dysferlinopathy; Qualitative or quantitative defects of dysferlin. Identifiers: Orphanet 207073, MedGen C2931687, MONDO:0016145.
Miyoshi muscular dystrophy 1 (MMD1). Identifiers: Orphanet 45448, MedGen C4551973, MONDO:0024545, OMIM 254130.

Allele frequency attached by ClinVar (database versions not stated): 1000 Genomes Project 30x 0.00109; TOPMed 0.00110; gnomAD 0.00112 and 0.00113; gnomAD exomes 0.00129 and 0.00189; 1000 Genomes Project 0.00140; ExAC 0.00150; ESP Exome Variant Server 0.00192.
gnomAD v4.1: 2,921 of 1,614,058 alleles (0.18%); highest among the groups gnomAD compares: Non-Finnish European, 0.23%; 8 homozygotes.

Submissions (11):

ClinGen Limb Girdle Muscular Dystrophy Variant Curation Expert Panel, ClinGen
Classification: Likely benign for Autosomal recessive limb-girdle muscular dystrophy. Last evaluated: 2025-01-08. Review status: reviewed by expert panel. Criteria: ClinGen LGMD VCEP ACMG Specifications DYSF V1.0.0. Collection method: curation. Allele origin: germline. Inheritance: Autosomal recessive inheritance.
Comment: The NM_003494.4: c.1877T>C variant in DYSF, which is also known as NM_001130987.2: c.1931T>C p.(Met644Thr), is a missense variant predicted to cause substitution of methionine by threonine at amino acid 626 (p.Met626Thr). The filtering allele frequency of the variant is 0.002276 for European (non-Finnish) exome chromosomes in gnomAD v2.1.1 (the lower threshold of the 95% CI of 323/251362), which is higher than the VCEP threshold of 0.001 (BS1). The SpliceAI score for this variant is 0, suggesting it does not impact splicing. However, the computational predictor REVEL gives a score of 0.12, which is above the LGMD VCEP threshold predicting a benign impact on DYSF function (≤0.1; BP4 not met). In summary, this variant meets the criteria to be classified as Likely Benign for autosomal recessive limb girdle muscular dystrophy based on the ACMG/AMP criteria applied, as specified by the ClinGen LGMD VCEP (LGMD VCEP specifications version 1.0.0; 01/08/2025): BS1.

CeGaT Center for Human Genetics Tuebingen
Classification: Likely benign. Last evaluated: 2026-07-01. Review status: criteria provided, single submitter. Criteria: CeGaT Center For Human Genetics Tuebingen Variant Classification Criteria Version 2. Collection method: clinical testing. Allele origin: germline. Affected: yes. Observed: 11 variant alleles. Not counted in ClinVar's aggregate classification.
Comment: DYSF: BP4

Labcorp Genetics (formerly Invitae), Labcorp
Classification: Likely benign for Neuromuscular disease caused by qualitative or quantitative defects of dysferlin. Last evaluated: 2026-01-28. Review status: criteria provided, single submitter. Criteria: Invitae Variant Classification Sherloc (09022015). Collection method: clinical testing. Allele origin: germline. Not counted in ClinVar's aggregate classification.

Mayo Clinic Laboratories, Mayo Clinic
Classification: Likely benign. Last evaluated: 2025-09-30. Review status: criteria provided, single submitter. Criteria: ACMG Guidelines, 2015. Collection method: clinical testing. Allele origin: germline. Observed: 2 variant alleles. Not counted in ClinVar's aggregate classification.
Comment: BS2, BP4

Blueprint Genetics
Classification: Likely benign. Last evaluated: 2024-11-21. Review status: criteria provided, single submitter. Criteria: ACMG Guidelines, 2015. Collection method: clinical testing. Allele origin: germline. Not counted in ClinVar's aggregate classification.

Athena Diagnostics
Classification: Uncertain significance. Last evaluated: 2021-10-06. Review status: criteria provided, single submitter. Criteria: Athena Diagnostics Criteria. Collection method: clinical testing. Allele origin: unknown. Not counted in ClinVar's aggregate classification.

GeneDx
Classification: Likely benign. Last evaluated: 2020-07-01. Review status: criteria provided, single submitter. Criteria: GeneDx Variant Classification Process June 2021. Collection method: clinical testing. Allele origin: germline. Affected: yes. Not counted in ClinVar's aggregate classification.

Baylor Genetics
Classification: Uncertain significance for Miyoshi muscular dystrophy 1. Last evaluated: 2019-02-22. Review status: criteria provided, single submitter. Criteria: ACMG Guidelines, 2015. Collection method: clinical testing. Allele origin: unknown. Affected: yes. Not counted in ClinVar's aggregate classification.
Comment: This variant was determined to be of uncertain significance according to ACMG Guidelines, 2015 [PMID:25741868].

Illumina Laboratory Services, Illumina
Classification: Uncertain significance for Qualitative or quantitative defects of dysferlin. Last evaluated: 2018-01-12. Review status: criteria provided, single submitter. Criteria: ICSL Variant Classification Criteria 13 December 2019. Collection method: clinical testing. Allele origin: germline. Not counted in ClinVar's aggregate classification.

Eurofins Ntd Llc (ga)
Classification: Likely benign. Last evaluated: 2017-06-22. Review status: criteria provided, single submitter. Criteria: EGL Classification Definitions 2015. Collection method: clinical testing. Allele origin: germline. Observed: 4 variant alleles, 4 heterozygotes. Not counted in ClinVar's aggregate classification.

PreventionGenetics, part of Exact Sciences
Classification: Likely benign for DYSF-related condition. Last evaluated: 2020-09-10. Review status: no assertion criteria provided. Collection method: clinical testing. Allele origin: germline. Not counted in ClinVar's aggregate classification.
Comment: This variant is classified as likely benign based on ACMG/AMP sequence variant interpretation guidelines (Richards et al. 2015 PMID: 25741868, with internal and published modifications).

Literature cited by the submitters: PubMed 33610434 (cited by Mayo Clinic Laboratories, Mayo Clinic); PubMed 33927379 (cited by Mayo Clinic Laboratories, Mayo Clinic); PubMed 36983702 (cited by Mayo Clinic Laboratories, Mayo Clinic).

NM_001130987.2(DYSF):c.1931T>C (p.Met644Thr)

Gene: DYSF (dysferlin; plus strand). Cytogenetic location: 2p13.2.
Variant type: single nucleotide variant.
Coding change: c.1931T>C on transcript NM_001130987.2 (MANE Select); coding-DNA position 1931, T replaced by C.
Protein change: p.Met644Thr; replaces methionine 644 with threonine.
Molecular consequence: missense variant.
Genome position (GRCh38, 1-based): chr2:71,553,135, T>C. VCF-style: chr2-71553135-T-C. GRCh37 (hg19) VCF-style: chr2-71780265-T-C.
Other names: NM_001130987.2(DYSF):c.1931T>C; p.Met644Thr; c.1880T>C, p.Met627Thr (NM_001130455.2, NM_001130983.2); c.1835T>C, p.Met612Thr (NM_001130976.2, NM_001130977.2); c.1877T>C, p.Met626Thr (NM_001130978.2, NM_003494.4); c.1970T>C, p.Met657Thr (NM_001130979.2); c.1928T>C, p.Met643Thr (NM_001130980.2, NM_001130981.2); c.1973T>C, p.Met658Thr (NM_001130982.2); and 2 more; short protein forms M626T, M644T, M627T, M612T, M613T, M643T, M658T, M657T.
Identifiers: ClinVar variation 281014 (VCV000281014.69), dbSNP rs141867897, ClinGen allele CA1705983.